The following is an entry in ClinVar:

ClinVar aggregate classification (germline): Uncertain significance (1 of 4 stars; one submission).

Conditions:
Early-infantile DEE. Also called: Ohtahara syndrome; Early infantile epileptic encephalopathy; Early infantile epileptic encephalopathy with suppression bursts. Identifiers: Orphanet 1934, MedGen C0393706, MONDO:0800491.

Allele frequency attached by ClinVar (database versions not stated): ExAC 0.00002.
gnomAD v4.1: 8 of 1,583,578 alleles (0.00051%); highest among the groups gnomAD compares: East Asian, 0.011%; no homozygotes.

Submission:

Labcorp Genetics (formerly Invitae), Labcorp
Classification: Uncertain significance for Early-infantile DEE. Last evaluated: 2022-03-15. Review status: criteria provided, single submitter. Criteria: Invitae Variant Classification Sherloc (09022015). Collection method: clinical testing. Allele origin: germline.
Comment: This sequence change replaces valine, which is neutral and non-polar, with methionine, which is neutral and non-polar, at codon 26 of the SLC25A22 protein (p.Val26Met). In summary, the available evidence is currently insufficient to determine the role of this variant in disease. Therefore, it has been classified as a Variant of Uncertain Significance. Algorithms developed to predict the effect of missense changes on protein structure and function are either unavailable or do not agree on the potential impact of this missense change (SIFT: "Deleterious"; PolyPhen-2: "Probably Damaging"; Align-GVGD: "Class C15"). ClinVar contains an entry for this variant (Variation ID: 1021914). This variant has not been reported in the literature in individuals affected with SLC25A22-related conditions. The frequency data for this variant in the population databases is considered unreliable, as metrics indicate poor data quality at this position in the gnomAD database.

NM_001191061.2(SLC25A22):c.76G>A (p.Val26Met)

Gene: SLC25A22 (solute carrier family 25 member 22; minus strand). Cytogenetic location: 11p15.5.
Variant type: single nucleotide variant.
Coding change: c.76G>A on transcript NM_001191061.2 (MANE Select); coding-DNA position 76, G replaced by A.
Protein change: p.Val26Met; replaces valine 26 with methionine.
Molecular consequence: missense variant.
Genome position (GRCh38, 1-based): chr11:794,846, C>T on the plus strand (G>A on the coding strand, the complement: SLC25A22 is on the minus strand). VCF-style: chr11-794846-C-T. GRCh37 (hg19) VCF-style: chr11-794846-C-T.
Other names: c.76G>A, p.Val26Met (NM_001191060.2, NM_024698.6); short protein forms V26M.
Identifiers: ClinVar variation 1021914 (VCV001021914.9), dbSNP rs759144900, ClinGen allele CA5789403.